The following is an entry in ClinVar:

NM_147127.5(EVC2):c.615G>A (p.Leu205=)

Gene: EVC2 (EvC ciliary complex subunit 2; minus strand). Cytogenetic location: 4p16.2.
Variant type: single nucleotide variant.
Coding change: c.615G>A on transcript NM_147127.5 (MANE Select); coding-DNA position 615, G replaced by A.
Protein change: p.Leu205=; no amino-acid change (leucine 205 retained).
Molecular consequence: synonymous variant.
Genome position (GRCh38, 1-based): chr4:5,689,248, C>T on the plus strand (G>A on the coding strand, the complement: EVC2 is on the minus strand). VCF-style: chr4-5689248-C-T. GRCh37 (hg19) VCF-style: chr4-5690975-C-T.
Other names: c.375G>A, p.Leu125= (NM_001166136.2).
Identifiers: ClinVar variation 349095 (VCV000349095.18), dbSNP rs140864640, ClinGen allele CA2835385.

ClinVar aggregate classification (germline): Conflicting classifications of pathogenicity. Review status: criteria provided, conflicting classifications (1 of 4 stars). 4 submissions from 4 submitters: Uncertain significance (1); Benign (1); Likely benign (1). 1 of the submissions does not count toward it. Last evaluated 2026-01-28.

Conditions:
EVC2-related disorder. Also called: EVC2-related condition.
Curry-Hall syndrome (WAD). Also called: WEYERS ACRODENTAL DYSOSTOSIS. Identifiers: Orphanet 952, MedGen C0457013, MONDO:0008673, OMIM 193530.
Ellis-van Creveld syndrome (EVC). Also called: MESOECTODERMAL DYSPLASIA; Chondroectodermal dysplasia. Identifiers: Orphanet 289, MedGen C0013903, MONDO:0009162, OMIM 225500.

Allele frequency attached by ClinVar (database versions not stated): ExAC 0.00012; TOPMed 0.00014; ESP Exome Variant Server 0.00015; gnomAD 0.00015 and 0.00016; gnomAD exomes 0.00015.
gnomAD v4.1: 427 of 1,614,094 alleles (0.026%); highest among the groups gnomAD compares: Non-Finnish European, 0.033%; no homozygotes.

Submissions (4):

Labcorp Genetics (formerly Invitae), Labcorp
Classification: Likely benign for Curry-Hall syndrome; Ellis-van Creveld syndrome. Last evaluated: 2026-01-28. Review status: criteria provided, single submitter. Criteria: Invitae Variant Classification Sherloc (09022015). Collection method: clinical testing. Allele origin: germline.

Blueprint Genetics
Classification: Benign. Last evaluated: 2023-07-05. Review status: criteria provided, single submitter. Criteria: ACMG Guidelines, 2015. Collection method: clinical testing. Allele origin: germline.

Illumina Laboratory Services, Illumina
Classification: Uncertain significance for Ellis-van Creveld syndrome. Last evaluated: 2018-01-13. Review status: criteria provided, single submitter. Criteria: ICSL Variant Classification Criteria 13 December 2019. Collection method: clinical testing. Allele origin: germline.

PreventionGenetics, part of Exact Sciences
Classification: Likely benign for EVC2-related condition. Last evaluated: 2022-03-03. Review status: no assertion criteria provided. Collection method: clinical testing. Allele origin: germline. Not counted in ClinVar's aggregate classification.
Comment: This variant is classified as likely benign based on ACMG/AMP sequence variant interpretation guidelines (Richards et al. 2015 PMID: 25741868, with internal and published modifications).